The following is an entry in ClinVar:

ClinVar aggregate classification (germline): Uncertain significance (1 of 4 stars; one submission).

Conditions:
Brachyolmia-amelogenesis imperfecta syndrome. Also called: Tooth agenesis, selective, 6; Dental anomalies and short stature; PLATYSPONDYLY WITH AMELOGENESIS IMPERFECTA. Identifiers: Orphanet 2899, MedGen C1832594, MONDO:0011018, OMIM 601216. Disease mechanism: loss of function.

Submission:

Labcorp Genetics (formerly Invitae), Labcorp
Classification: Uncertain significance for Brachyolmia-amelogenesis imperfecta syndrome. Last evaluated: 2025-09-20. Review status: criteria provided, single submitter. Criteria: Invitae Variant Classification Sherloc (09022015). Collection method: clinical testing. Allele origin: germline.
Comment: This sequence change replaces proline, which is neutral and non-polar, with arginine, which is basic and polar, at codon 214 of the LTBP3 protein (p.Pro214Arg). This variant is not present in population databases (gnomAD no frequency). This variant has not been reported in the literature in individuals affected with LTBP3-related conditions. An algorithm developed to predict the effect of missense changes on protein structure and function (PolyPhen-2) suggests that this variant is likely to be disruptive. In summary, the available evidence is currently insufficient to determine the role of this variant in disease. Therefore, it has been classified as a Variant of Uncertain Significance.

NM_001130144.3(LTBP3):c.641C>G (p.Pro214Arg)

Gene: LTBP3 (latent transforming growth factor beta binding protein 3; minus strand). Cytogenetic location: 11q13.1.
Variant type: single nucleotide variant.
Coding change: c.641C>G on transcript NM_001130144.3 (MANE Select); coding-DNA position 641, C replaced by G.
Protein change: p.Pro214Arg; replaces proline 214 with arginine.
Molecular consequence: missense variant.
Genome position (GRCh38, 1-based): chr11:65,554,071, G>C on the plus strand (C>G on the coding strand, the complement: LTBP3 is on the minus strand). VCF-style: chr11-65554071-G-C. GRCh37 (hg19) VCF-style: chr11-65321542-G-C.
Other names: c.290C>G, p.Pro97Arg (NM_001164266.1); c.641C>G, p.Pro214Arg (NM_021070.4); short protein forms P214R, P97R.
Identifiers: ClinVar variation 4781124 (VCV004781124.1).